The following is an entry in ClinVar:

ClinVar aggregate classification (germline): Pathogenic (1 of 4 stars; one submission).

Submission:

Labcorp Genetics (formerly Invitae), Labcorp
Classification: Pathogenic. Last evaluated: 2022-06-22. Review status: criteria provided, single submitter. Criteria: Invitae Variant Classification Sherloc (09022015). Collection method: clinical testing. Allele origin: germline.
Comment: This sequence change creates a premature translational stop signal (p.Phe1320Leufs*17) in the CACNA1F gene. It is expected to result in an absent or disrupted protein product. Loss-of-function variants in CACNA1F are known to be pathogenic (PMID: 9662399, 11281458, 17525176, 22194652, 24124559, 26992781). This variant is not present in population databases (gnomAD no frequency). This variant has not been reported in the literature in individuals affected with CACNA1F-related conditions. For these reasons, this variant has been classified as Pathogenic.

Literature cited by the submitters: PubMed 9662399; PubMed 11281458; PubMed 17525176; PubMed 22194652; PubMed 24124559; PubMed 26992781.

NM_001256789.3(CACNA1F):c.3927del (p.Phe1309fs)

Gene: CACNA1F (calcium voltage-gated channel subunit alpha1 F; minus strand). Cytogenetic location: Xp11.23.
Variant type: Deletion.
Coding change: c.3927del on transcript NM_001256789.3 (MANE Select); coding-DNA position 3927, one base deleted (C; older notation c.3927delC).
Protein change: p.Phe1309fs; shifts the reading frame from phenylalanine 1309.
Molecular consequence: frameshift variant.
Genome position (GRCh38, 1-based): chrX:49,212,682, G deleted on the plus strand (C on the coding strand, the reverse complement: CACNA1F is on the minus strand). VCF-style (leftmost placement, unchanged base first): chrX-49212681-TG-T. GRCh37 (hg19) VCF-style: chrX-49069141-TG-T.
Other names: c.3765del, p.Phe1255fs (NM_001256790.3); c.3960del, p.Phe1320fs (NM_005183.4); short protein forms F1320fs, F1309fs, F1255fs.
Identifiers: ClinVar variation 2009248 (VCV002009248.4), dbSNP rs2520815325, ClinGen allele CA2580101128.